The following is an entry in ClinVar:

ClinVar aggregate classification (germline): Pathogenic. Review status: criteria provided, multiple submitters, no conflicts (2 of 4 stars). 11 submissions from 11 submitters: Pathogenic (11). Last evaluated 2025-12-06.

Conditions:
Monogenic hearing loss.
AFG2A-related disorder. Also called: AFG2A-related condition.
Microcephaly-intellectual disability-sensorineural hearing loss-epilepsy-abnormal muscle tone syndrome (NEDHSB). Also called: NEURODEVELOPMENTAL DISORDER WITH HEARING LOSS, SEIZURES, AND BRAIN ABNORMALITIES. Identifiers: Orphanet 457351, MedGen C4225276, MONDO:0014698, OMIM 616577.
Inborn genetic diseases. Identifiers: MedGen C0950123, MeSH D030342.
SPATA5-related disorder.

Allele frequency attached by ClinVar (database versions not stated): TOPMed 0.00008; gnomAD exomes 0.00009 and 0.00014; ExAC 0.00013; ESP Exome Variant Server 0.00015; gnomAD 0.00017 and 0.00019.
gnomAD v4.1: 221 of 1,606,370 alleles (0.014%); highest among the groups gnomAD compares: Non-Finnish European, 0.018%; no homozygotes.

Submissions (12):

Genetics Laboratory, Great Ormond Street Hospital NHS Foundation Trust, North Thames Genomic Laboratory Hub
Classification: Pathogenic for Monogenic hearing loss. Last evaluated: 2025-12-06. Review status: criteria provided, single submitter. Criteria: ACGS Best Practice Guidelines for Variant Classification in Rare Disease 2024 v1.2. Collection method: clinical testing. Allele origin: germline. Affected: yes.
Comment: PM2_supporting, PVS1_very-strong, PM3_moderate

Labcorp Genetics (formerly Invitae), Labcorp
Classification: Pathogenic for Microcephaly-intellectual disability-sensorineural hearing loss-epilepsy-abnormal muscle tone syndrome. Last evaluated: 2025-06-02. Review status: criteria provided, single submitter. Criteria: Invitae Variant Classification Sherloc (09022015). Collection method: clinical testing. Allele origin: germline.
Comment: This sequence change affects a donor splice site in intron 9 of the SPATA5 gene. It is expected to disrupt RNA splicing. Variants that disrupt the donor or acceptor splice site typically lead to a loss of protein function (PMID: 16199547), and loss-of-function variants in SPATA5 are known to be pathogenic (PMID: 26299366). This variant is present in population databases (rs149688478, gnomAD 0.03%). Disruption of this splice site has been observed in individual(s) with epilepsy, hearing loss, and intellectual disability syndrome (PMID: 26299366, 28293831). In at least one individual the data is consistent with being in trans (on the opposite chromosome) from a pathogenic variant. It has also been observed to segregate with disease in related individuals. ClinVar contains an entry for this variant (Variation ID: 207803). Algorithms developed to predict the effect of sequence changes on RNA splicing suggest that this variant may disrupt the consensus splice site. For these reasons, this variant has been classified as Pathogenic.

Variantyx, Inc.
Classification: Pathogenic for Microcephaly-intellectual disability-sensorineural hearing loss-epilepsy-abnormal muscle tone syndrome. Last evaluated: 2025-03-27. Review status: criteria provided, single submitter. Criteria: Variantyx Assertion Criteria 2022. Collection method: clinical testing. Allele origin: germline. Inheritance: Autosomal recessive inheritance.
Comment: This is a canonical splicing variant in the AFG2A gene (OMIM: 613940). Pathogenic variants in this gene have been associated with autosomal recessive neurodevelopmental disorder with hearing loss, seizures, and brain abnormalities. This splicing variant is expected to result in loss of function, which is a known disease mechanism for AFG2A in this disorder (PMID: 26299366) (PVS1). This variant has been reported in the homozygous or compound heterozygous state in at least 2 unrelated affected individuals (PMID: 28293831, 26299366) (PM3). This variant has a 0.0338% maximum allele frequency in non-founder control populations (PM2). Based on the current evidence, this variant is classified as pathogenic for autosomal recessive neurodevelopmental disorder with hearing loss, seizures, and brain abnormalities.

Laboratory of Genetics, Children's Clinical University Hospital Latvia
Classification: Pathogenic. Last evaluated: 2025-02-16. Review status: criteria provided, single submitter. Criteria: ACMG Guidelines, 2015. Collection method: clinical testing. Allele origin: germline. Affected: yes.

PreventionGenetics, part of Exact Sciences
Classification: Pathogenic for AFG2A-related condition. Last evaluated: 2024-12-19. Review status: criteria provided, single submitter. Criteria: ACMG Guidelines, 2015. Collection method: clinical testing. Allele origin: germline.
Comment: The AFG2A c.1714+1G>A variant is predicted to disrupt the GT donor site and interfere with normal splicing. This variant has been reported in the compound heterozygous state in multiple individuals with microcephaly, epilepsy, hearing loss, and intellectual disability (Tanaka et al. 2015. PubMed ID: 26299366; Szczałuba et al. 2017. PubMed ID: 28293831). This variant has also been observed in an individual with cerebral palsy (Moreno-De-Luca et al. 2021. PubMed ID: 33528536). This variant is reported in 0.031% of alleles in individuals of European (non-Finnish) descent in gnomAD. Variants that disrupt the consensus splice donor site in AFG2A are expected to be pathogenic. This variant is interpreted as pathogenic.

Blueprint Genetics
Classification: Pathogenic for SPATA5-related disorders. Last evaluated: 2024-10-03. Review status: criteria provided, single submitter. Criteria: ACMG Guidelines, 2015. Collection method: clinical testing. Allele origin: germline. Affected: yes. Observed: 5 variant alleles.

Women's Health and Genetics/Laboratory Corporation of America, LabCorp
Classification: Pathogenic for Microcephaly-intellectual disability-sensorineural hearing loss-epilepsy-abnormal muscle tone syndrome. Last evaluated: 2024-01-05. Review status: criteria provided, single submitter. Criteria: LabCorp Variant Classification Summary - May 2015. Collection method: clinical testing. Allele origin: germline.
Comment: Variant summary: SPATA5 (or AFG2A) c.1714+1G>A is located in a canonical splice-site and is predicted to affect mRNA splicing resulting in a significantly altered protein due to either exon skipping, shortening, or inclusion of intronic material. Several computational tools predict a significant impact on normal splicing: Four predict the variant abolishes the canonical 5' splicing donor site. However, these predictions have yet to be confirmed by functional studies. The variant allele was found at a frequency of 9.3e-05 in 247722 control chromosomes (gnomAD). c.1714+1G>A has been reported in the literature in the compound heterozygous state in individuals affected with Epilepsy, Hearing Loss, And Mental Retardation Syndrome and segregated with the disease phenotype in at least one family (e.g. Tanaka_2015, Szczauba_2017). These data indicate that the variant is likely to be associated with disease. To our knowledge, no experimental evidence demonstrating an impact on protein function has been reported. The following publications have been ascertained in the context of this evaluation (PMID: 28293831, 26299366). ClinVar contains an entry for this variant (Variation ID: 207803). Based on the evidence outlined above, the variant was classified as pathogenic.

Ambry Genetics
Classification: Pathogenic for Inborn genetic diseases. Last evaluated: 2022-05-13. Review status: criteria provided, single submitter. Criteria: Ambry Variant Classification Scheme 2023. Collection method: clinical testing. Allele origin: germline.
Comment: The c.1714+1G>A intronic variant results from a G to A substitution one nucleotide(s) after coding exon 9 of the SPATA5 gene. Alterations that disrupt the canonical splice site are expected to cause aberrant splicing, resulting in an abnormal protein or a transcript that is subject to nonsense-mediated mRNA decay. Based on data from gnomAD, the A allele has an overall frequency of 0.02% (45/279128) total alleles studied. The highest observed frequency was 0.03% (40/127602) of European (non-Finnish) alleles. This mutation has been confirmed in trans with a second SPATA5 alteration in two families with children with microcephaly, developmental delay, seizures, and sensorineural hearing loss (Tanaka, 2015; Szczauba, 2017). Based on the available evidence, this alteration is classified as pathogenic.

Victorian Clinical Genetics Services, Murdoch Childrens Research Institute
Classification: Pathogenic for Microcephaly-intellectual disability-sensorineural hearing loss-epilepsy-abnormal muscle tone syndrome. Last evaluated: 2022-02-02. Review status: criteria provided, single submitter. Criteria: ACMG Guidelines, 2015. Collection method: clinical testing. Allele origin: germline. Inheritance: Autosomal recessive inheritance. Affected: yes.
Comment: Based on the classification scheme VCGS_Germline_v1.3.4, this variant is classified as Pathogenic. Following criteria are met: 0102 - Loss of function is a known mechanism of disease in this gene and is associated with epilepsy, hearing loss, and intellectual disability syndrome (MIM#616577). (I) 0106 - This gene is associated with autosomal recessive disease. (I) 0211 - Canonical splice site variant without proven consequence on splicing (no functional evidence available). (SP) 0251 - This variant is heterozygous. (I) 0304 - Variant is present in gnomAD (v2) <0.01 for a recessive condition (45 heterozygotes, 0 homozygotes). (SP) 0505 - Abnormal splicing is predicted by in silico tools and affected nucleotide is highly conserved. (SP) 0801 - This variant has strong previous evidence of pathogenicity in unrelated individuals. This variant has been reported multiple times as pathogenic, and observed in compound heterozygous state in several individuals with microcephaly, intellectual disability, seizures and/or hearing loss (ClinVar, LOVD, DECIPHER, PMID: 26299366, PMID: 28293831). (SP) 0901 - This variant has strong evidence for segregation with disease. This variant has segregated with disease, in two pairs of affected siblings (PMID: 26299366, PMID: 28293831). (I) Legend: (SP) - Supporting pathogenic, (I) - Information, (SB) - Supporting benign

CeGaT Center for Human Genetics Tuebingen
Classification: Pathogenic. Last evaluated: 2020-01-01. Review status: criteria provided, single submitter. Criteria: CeGaT Center For Human Genetics Tuebingen Variant Classification Criteria Version 2. Collection method: clinical testing. Allele origin: germline. Affected: yes. Observed: 1 variant allele.

Revvity Omics, Revvity
Classification: Pathogenic for Microcephaly-intellectual disability-sensorineural hearing loss-epilepsy-abnormal muscle tone syndrome. Last evaluated: 2019-07-31. Review status: criteria provided, single submitter. Criteria: ACMG Guidelines, 2015. Collection method: clinical testing. Allele origin: germline.

Dr. Peter K. Rogan Lab, Western University
No classification provided (evidence only). Condition: Familial cancer of breast. Review status: no classification provided. Collection method: in vitro. Allele origin: not applicable. Functional consequence: retained intron. Not counted in ClinVar's aggregate classification.

Literature cited by the submitters: PubMed 16199547 (cited by Labcorp Genetics (formerly Invitae), Labcorp); PubMed 26299366 (cited by 5 submitters); PubMed 28293831 (cited by 5 submitters).

NM_145207.3(AFG2A):c.1714+1G>A

Gene: AFG2A (AAA ATPase AFG2A; plus strand). Cytogenetic location: 4q28.1.
Variant type: single nucleotide variant.
Coding change: c.1714+1G>A on transcript NM_145207.3 (MANE Select); the canonical splice donor site of the intron after coding-DNA position 1714, G replaced by A.
Molecular consequence: splice donor variant.
Genome position (GRCh38, 1-based): chr4:122,947,489, G>A. VCF-style: chr4-122947489-G-A. GRCh37 (hg19) VCF-style: chr4-123868644-G-A.
Other names: c.1711+1G>A (NM_001345856.2, NM_001317799.2).
Identifiers: ClinVar variation 207803 (VCV000207803.64), dbSNP rs149688478, ClinGen allele CA319623.
Genomic context (GRCh38, chr4:122,947,489, plus strand): 5'-TGGCAAATAGTGCTCATGGATACGTTGGAGCAGACTTGAAAGTCTTGTGTAATGAAGCAG[G>A]TGAGTGTGGTTTGCTATGGTGAGTCTCTATTGATGCACTTATCTCCAGTTTACTTACATA-3'